The following is an entry in ClinVar:

NM_001122955.4(BSCL2):c.666G>C (p.Met222Ile)

Genes: BSCL2 (BSCL2 lipid droplet biogenesis associated, seipin; minus strand), HNRNPUL2-BSCL2 (HNRNPUL2-BSCL2 readthrough (NMD candidate); minus strand). Cytogenetic location: 11q12.3.
Variant type: single nucleotide variant.
Coding change: c.666G>C on transcript NM_001122955.4 (MANE Select); coding-DNA position 666, G replaced by C.
Protein change: p.Met222Ile; replaces methionine 222 with isoleucine.
Molecular consequence: missense variant. On other transcripts: non-coding transcript variant (1).
Genome position (GRCh38, 1-based): chr11:62,692,762, C>G on the plus strand (G>C on the coding strand, the complement: BSCL2 is on the minus strand). VCF-style: chr11-62692762-C-G. GRCh37 (hg19) VCF-style: chr11-62460234-C-G.
Other names: c.474G>C, p.Met158Ile (NM_001130702.2, NM_032667.6); c.666G>C, p.Met222Ile (NM_001386027.1, NM_001386028.1); short protein forms M158I, M222I.
Identifiers: ClinVar variation 806686 (VCV000806686.51), dbSNP rs755623017, ClinGen allele CA6053496.

ClinVar aggregate classification (germline): Uncertain significance. Review status: criteria provided, multiple submitters, no conflicts (2 of 4 stars). 3 submissions from 3 submitters: Uncertain significance (3). Last evaluated 2026-01-12.

Conditions:
Inborn genetic diseases. Identifiers: MedGen C0950123, MeSH D030342.
Charcot-Marie-Tooth disease type 2. Also called: Charcot-Marie-Tooth type 2. Identifiers: Orphanet 64746, MedGen C0270914, MONDO:0018993.

Allele frequency attached by ClinVar (database versions not stated): gnomAD 0.00001; TOPMed 0.00001.
gnomAD v4.1: 20 of 1,613,884 alleles (0.0012%); highest among the groups gnomAD compares: Non-Finnish European, 0.0015%; no homozygotes.

Submissions (3):

Labcorp Genetics (formerly Invitae), Labcorp
Classification: Uncertain significance for Charcot-Marie-Tooth disease type 2. Last evaluated: 2026-01-12. Review status: criteria provided, single submitter. Criteria: Invitae Variant Classification Sherloc (09022015). Collection method: clinical testing. Allele origin: germline.
Comment: This sequence change replaces methionine, which is neutral and non-polar, with isoleucine, which is neutral and non-polar, at codon 158 of the BSCL2 protein (p.Met158Ile). This variant is present in population databases (rs755623017, gnomAD 0.004%). This variant has not been reported in the literature in individuals affected with BSCL2-related conditions. ClinVar contains an entry for this variant (Variation ID: 806686). Invitae Evidence Modeling of protein sequence and biophysical properties (such as structural, functional, and spatial information, amino acid conservation, physicochemical variation, residue mobility, and thermodynamic stability) indicates that this missense variant is not expected to disrupt BSCL2 protein function with a negative predictive value of 80%. In summary, the available evidence is currently insufficient to determine the role of this variant in disease. Therefore, it has been classified as a Variant of Uncertain Significance.

Ambry Genetics
Classification: Uncertain significance for Inborn genetic diseases. Last evaluated: 2021-04-09. Review status: criteria provided, single submitter. Criteria: Ambry Variant Classification Scheme 2023. Collection method: clinical testing. Allele origin: germline.
Comment: The p.M158I variant (also known as c.474G>C), located in coding exon 4 of the BSCL2 gene, results from a G to C substitution at nucleotide position 474. The methionine at codon 158 is replaced by isoleucine, an amino acid with highly similar properties. This amino acid position is poorly conserved in available vertebrate species. In addition, this alteration is predicted to be tolerated by in silico analysis. Since supporting evidence is limited at this time, the clinical significance of this alteration remains unclear.

CeGaT Center for Human Genetics Tuebingen
Classification: Uncertain significance. Last evaluated: 2018-06-01. Review status: criteria provided, single submitter. Criteria: CeGaT Center For Human Genetics Tuebingen Variant Classification Criteria Version 2. Collection method: clinical testing. Allele origin: germline. Affected: yes. Observed: 1 variant allele.